The following is an entry in ClinVar:

NM_001128159.3(VPS53):c.1399G>A (p.Val467Met)

Gene: VPS53 (VPS53 subunit of GARP complex; minus strand). Cytogenetic location: 17p13.3.
Variant type: single nucleotide variant.
Coding change: c.1399G>A on transcript NM_001128159.3 (MANE Select); coding-DNA position 1399, G replaced by A.
Protein change: p.Val467Met; replaces valine 467 with methionine.
Molecular consequence: missense variant.
Genome position (GRCh38, 1-based): chr17:562,660, C>T on the plus strand (G>A on the coding strand, the complement: VPS53 is on the minus strand). VCF-style: chr17-562660-C-T. GRCh37 (hg19) VCF-style: chr17-465900-C-T.
Other names: c.1399G>A, p.Val467Met (NM_001366253.2); c.805G>A, p.Val269Met (NM_001366254.2); c.1312G>A, p.Val438Met (NM_018289.4); short protein forms V269M, V438M, V467M.
Identifiers: ClinVar variation 3253072 (VCV003253072.1), dbSNP rs1457356331.

ClinVar aggregate classification (germline): Uncertain significance (1 of 4 stars; one submission).

Allele frequency attached by ClinVar (database versions not stated): gnomAD 0.00001.
gnomAD v4.1: 8 of 1,613,452 alleles (0.0005%); highest among the groups gnomAD compares: Admixed American, 0.005%; no homozygotes.

Submission:

GeneDx
Classification: Uncertain significance. Last evaluated: 2023-10-06. Review status: criteria provided, single submitter. Criteria: GeneDx Variant Classification Process June 2021. Collection method: clinical testing. Allele origin: germline. Affected: yes.
Comment: Not observed at significant frequency in large population cohorts (gnomAD); In silico analysis supports that this missense variant has a deleterious effect on protein structure/function; Has not been previously published as pathogenic or benign to our knowledge